The following is an entry in ClinVar:

NM_001093.4(ACACB):c.1593T>G (p.Val531=)

Gene: ACACB (acetyl-CoA carboxylase beta; plus strand). Cytogenetic location: 12q24.11.
Variant type: single nucleotide variant.
Coding change: c.1593T>G on transcript NM_001093.4 (MANE Select); coding-DNA position 1593, T replaced by G.
Protein change: p.Val531=; no amino-acid change (valine 531 retained).
Molecular consequence: synonymous variant.
Genome position (GRCh38, 1-based): chr12:109,179,243, T>G. VCF-style: chr12-109179243-T-G. GRCh37 (hg19) VCF-style: chr12-109617048-T-G.
Identifiers: ClinVar variation 720486 (VCV000720486.7), dbSNP rs11065765, ClinGen allele CA6773329.

ClinVar aggregate classification (germline): Benign. Review status: criteria provided, multiple submitters, no conflicts (2 of 4 stars). 3 submissions from 3 submitters: Benign (2). 1 of the submissions does not count toward it. Last evaluated 2019-12-31.

Conditions:
ACACB-related disorder. Also called: ACACB-related condition.

Allele frequency attached by ClinVar (database versions not stated): gnomAD exomes 0.00093 and 0.00239; ExAC 0.00310; gnomAD 0.00892 and 0.00942; ESP Exome Variant Server 0.00923; TOPMed 0.00979; 1000 Genomes Project 0.01238; 1000 Genomes Project 30x 0.01390.
gnomAD v4.1: 2,750 of 1,613,960 alleles (0.17%); highest among the groups gnomAD compares: African/African-American, 3.2%; 52 homozygotes.

Submissions (3):

Labcorp Genetics (formerly Invitae), Labcorp
Classification: Benign. Last evaluated: 2019-12-31. Review status: criteria provided, single submitter. Criteria: Invitae Variant Classification Sherloc (09022015). Collection method: clinical testing. Allele origin: germline.

Breakthrough Genomics
Classification: Benign. Review status: criteria provided, single submitter. Criteria: ACMG Guidelines, 2015. Collection method: not provided. Allele origin: germline. Inheritance: Unknown mechanism. Affected: yes.

PreventionGenetics, part of Exact Sciences
Classification: Benign for ACACB-related condition. Last evaluated: 2019-02-28. Review status: no assertion criteria provided. Collection method: clinical testing. Allele origin: germline. Not counted in ClinVar's aggregate classification.
Comment: This variant is classified as benign based on ACMG/AMP sequence variant interpretation guidelines (Richards et al. 2015 PMID: 25741868, with internal and published modifications).